The following is an entry in ClinVar:

ClinVar aggregate classification (germline): Pathogenic. Review status: reviewed by expert panel (3 of 4 stars). 19 submissions from 19 submitters: Pathogenic (1). 18 of the submissions do not count toward it. Last evaluated 2022-09-15.

Conditions:
PALB2-related cancer predisposition. Identifiers: MedGen CN377761, MONDO:0700272.
Familial pancreatic carcinoma. Identifiers: Orphanet 1333, MedGen C2931038, MONDO:0015278, OMIM 260350.
Hereditary breast ovarian cancer syndrome. Also called: Hereditary breast and ovarian cancer syndrome; Hereditary breast and ovarian cancer syndrome (HBOC); Breast and ovarian cancer; BRCA1- and BRCA2-Associated Hereditary Breast and Ovarian Cancer; Hereditary breast and ovarian cancer; Hereditary breast and/or ovarian cancer syndrome. Identifiers: Orphanet 145, MedGen C0677776, MeSH D061325, MONDO:0003582. Disease mechanism: loss of function.
PALB2-related disorder. Also called: PALB2-related disorders; PALB2-related condition.
Breast-ovarian cancer, familial, susceptibility to, 5 (BROVCA5). Identifiers: MedGen C5830615, MONDO:0957530, OMIM 620442.
Familial cancer of breast. Also called: hereditary breast carcinoma; Hereditary breast cancer; BREAST CANCER, FAMILIAL. Identifiers: Orphanet 227535, MedGen C0346153, MONDO:0016419, OMIM 114480. Disease mechanism: loss of function.
Hereditary cancer-predisposing syndrome. Also called: Tumor predisposition; Hereditary neoplastic syndrome; Neoplastic Syndromes, Hereditary; Hereditary Cancer Syndrome. Identifiers: Orphanet 140162, MedGen C0027672, MeSH D009386, MONDO:0015356.

Submissions 1 to 7 of 19:

ClinGen Hereditary Breast, Ovarian and Pancreatic Cancer Variant Curation Expert Panel, ClinGen
Classification: Pathogenic for PALB2-related cancer predisposition. Last evaluated: 2022-09-15. Review status: reviewed by expert panel. Criteria: ClinGen HBOP VCEP ACMG Specifications PALB2 V1.0.0. Collection method: curation. Allele origin: germline. Inheritance: Autosomal dominant inheritance.
Comment: The c.1592del (p.L531Cfs*30) variant in PALB2 is a frameshift variant observed to cause a premature stop codon in biologically-relevant-exon 4 and is predicted to lead to nonsense mediated decay in a gene in which loss-of-function is an established disease mechanism. The prevalence of the variant in affected individuals is significantly increased compared with the prevalence in controls [HR 6.1 (95% CI 2.2-17.2, p = 0.01)] (PMID: 18628482). This alteration results in a termination codon upstream of the most C-terminus pathogenic alteration (PALB2 p.Tyr1183*) as classified by the HBOP VCEP, and is expected to be more deleterious. The variant has been reported to segregate with breast cancer in 6 affected family members from three families (Ambry Genetics and Invitae). The minor allele frequency in gnomAD v2.1.1 is 0.001871 in the Finnish population; however, this variant known to be a Finnish founder mutation thus explaining the higher than expected population frequency (PM2_Supporting, BS1, and BA1 are not met; PMID: 17287723). In summary, this variant meets criteria to be classified as pathogenic for autosomal dominant hereditary breast and pancreatic cancer and autosomal recessive FANCN based on the ACMG/AMP criteria applied as specified by the HBOP VCEP. (PVS1, PS4, PP1_Strong, PM5_Supporting)

Labcorp Genetics (formerly Invitae), Labcorp
Classification: Pathogenic for Familial cancer of breast. Last evaluated: 2025-11-10. Review status: criteria provided, single submitter. Criteria: Invitae Variant Classification Sherloc (09022015). Collection method: clinical testing. Allele origin: germline. Not counted in ClinVar's aggregate classification.
Comment: This sequence change creates a premature translational stop signal (p.Leu531Cysfs*30) in the PALB2 gene. It is expected to result in an absent or disrupted protein product. Loss-of-function variants in PALB2 are known to be pathogenic (PMID: 17200668, 17200671, 17200672, 24136930, 25099575). This variant is present in population databases (rs180177102, gnomAD 0.2%). This premature translational stop signal has been observed in individual(s) with breast cancer (PMID: 17287723, 18628482, 19383810, 22241545). It is commonly reported in individuals of Finnish ancestry (PMID: 17287723, 18628482, 19383810, 22241545). ClinVar contains an entry for this variant (Variation ID: 126609). Algorithms developed to predict the effect of variants on gene product structure and function are not available or were not evaluated for this variant. Experimental studies have shown that this premature translational stop signal affects PALB2 function (PMID: 17287723, 24153426, 26640152). For these reasons, this variant has been classified as Pathogenic.

Ambry Genetics
Classification: Pathogenic for Hereditary cancer-predisposing syndrome. Last evaluated: 2025-03-23. Review status: criteria provided, single submitter. Criteria: Ambry Variant Classification Scheme 2023. Collection method: clinical testing. Allele origin: germline. Not counted in ClinVar's aggregate classification.
Comment: The c.1592delT pathogenic mutation, located in coding exon 4 of the PALB2 gene, results from a deletion of one nucleotide at nucleotide position 1592, causing a translational frameshift with a predicted alternate stop codon (p.L531Cfs*30). This mutation is known as a Finnish founder mutation (Erkko H et al. Nature. 2007 Mar 15; 446(7133):316-9). Two studies utilizing lymphoblastoid cell lines showed that this mutation causes aberrant DNA damage response (Nikkil&auml; J et al. Nat Commun, 2013;4:2578; Obermeier K et al. Oncogene, 2016 07;35:3796-806). One study estimated the risk of breast cancer by age 70 for females carriers of this mutation to be 40%, (95% CI, 17-77) (Erkko H et al. Clin Cancer Res. 2008 Jul 15; 14(14):4667-71). Another study found that c.1592delT was associated with a significant increased risk for breast cancer (OR 3.44) but not with increased risk for prostate or ovarian cancer (Southey MC et al. J. Med. Genet., 2016 12;53:800-811). In another study, this mutation was associated with an aggressive breast tumor phenotype compared to tumors of sporadic or familial breast cancer patients who did not carry the mutation (Heikkinen T et al. Clin. Cancer Res., 2009 May;15:3214-22). Additional studies have detected this mutation in 3/1824 patients with triple negative breast cancer who were unselected for a family history of breast or ovarian cancer. (Couch FJ et al. J. Clin. Oncol., 2015 Feb;33:304-11), in a cohort of 8085 consecutive unselected Chinese breast cancer patients who underwent multi-gene panel testing (Sun J et al. Clin. Cancer Res., 2017 Oct;23:6113-6119), in 44/154 breast cancer families (Antoniou AC et al. N. Engl. J. Med., 2014 Aug;371:497-506), and in 1/1421 epithelial ovarian cancer patients and 0/4300 European controls (Kotsopoulos J et al. Fam. Cancer, 2017 01;16:29-34). In addition to the clinical data presented in the literature, this alteration is expected to result in loss of function by premature protein truncation or nonsense-mediated mRNA decay. As such, this alteration is interpreted as a disease-causing mutation.

Color Diagnostics, LLC DBA Color Health
Classification: Pathogenic for Hereditary cancer-predisposing syndrome. Last evaluated: 2025-02-18. Review status: criteria provided, single submitter. Criteria: ACMG Guidelines, 2015. Collection method: clinical testing. Allele origin: germline. Not counted in ClinVar's aggregate classification.
Comment: This variant deletes 1 nucleotide in exon 4 of the PALB2 gene, creating a frameshift and premature translation stop signal. This variant is expected to result in an absent or non-functional protein product. Functional studies have shown that this variant has reduced DNA binding, protein instability, and fails to complement PALB2-deficient cells (PMID: 17287723, 24153426, 28158555) and it served as a loss-of-function control in a DNA repair assay (PMID: 33964450). This variant has been reported in over 50 individuals affected with breast and ovarian cancer (PMID: 17287723, 18628482,22241545, 23941127, 25452441, 28724667, 27595995, 30322717, 31841383, 32546565, 35610400). Case-control studies have reported significant association with breast cancer, including a breast-cancer meta-analysis that found this variant in 37/60466 cases and 4/53461 unaffected controls, reaching an OR=8.183 (95%CI 2.916 to 22.959) (PMID: 27595995, 33471991; Leiden Open Variation Database DB-ID PALB2_010077). This variant has been identified in 49/282888 chromosomes in the general population by the Genome Aggregation Database (gnomAD). Loss of PALB2 function is a known mechanism of disease. Based on the available evidence, this variant is classified as Pathogenic.

Blueprint Genetics
Classification: Pathogenic for PALB2-related disorders. Last evaluated: 2024-11-15. Review status: criteria provided, single submitter. Criteria: ACMG Guidelines, 2015. Collection method: clinical testing. Allele origin: germline. Affected: yes. Observed: 5 variant alleles. Not counted in ClinVar's aggregate classification.

Clinical Genetics Laboratory, Skane University Hospital Lund
Classification: Pathogenic. Last evaluated: 2024-02-02. Review status: criteria provided, single submitter. Criteria: ACMG Guidelines, 2015. Collection method: clinical testing. Allele origin: germline. Affected: yes. Not counted in ClinVar's aggregate classification.

Quest Diagnostics Nichols Institute San Juan Capistrano
Classification: Pathogenic. Last evaluated: 2023-12-05. Review status: criteria provided, single submitter. Criteria: Quest Diagnostics criteria. Collection method: clinical testing. Allele origin: unknown. Not counted in ClinVar's aggregate classification.
Comment: The PALB2 c.1592del (p.Leu531Cysfs*30) variant alters the translational reading frame of the PALB2 mRNA and causes the premature termination of PALB2 protein synthesis. This variant has been reported in the published literature in individuals with breast and/or ovarian cancer (PMIDs: 35610400 (2022), 32546565 (2021), 30322717 (2018), 28724667 (2017), 27631815 (2017), 18628482 (2008)), and it has been characterized as a founder variant in the Finnish population (PMID: 17287723 (2007)). Experimental studies indicate this variant has deleterious effects on PALB2 protein function (PMIDs: 33964450 (2021), 17287723 (2007)). ClinVar contains an entry for this variant (URL:, Variation ID: 126609). Based on the available information, this variant is classified as pathogenic.

NM_024675.4(PALB2):c.1592del (p.Leu531fs)

Gene: PALB2 (partner and localizer of BRCA2; minus strand). Cytogenetic location: 16p12.2.
Variant type: Deletion.
Coding change: c.1592del on transcript NM_024675.4 (MANE Select); coding-DNA position 1592, one base deleted (T; older notation c.1592delT).
Protein change: p.Leu531fs; shifts the reading frame from leucine 531.
Molecular consequence: frameshift variant.
Genome position (GRCh38, 1-based): chr16:23,634,954, A deleted on the plus strand (T on the coding strand, the reverse complement: PALB2 is on the minus strand); the first of 4 consecutive A bases (chr16:23,634,954-23,634,957); deleting any one gives the same sequence. VCF-style (leftmost placement, unchanged base first): chr16-23634953-CA-C. GRCh37 (hg19) VCF-style: chr16-23646274-CA-C.
Other names: NM_024675.3(PALB2):c.1592del; p.Leu531fs; NM_024675.4(PALB2):c.1592del; c.1592delT (NM_024675.3); short protein forms L531fs.
Identifiers: ClinVar variation 126609 (VCV000126609.60), dbSNP rs180177102, ClinGen allele CA250432.